The following is an entry in ClinVar:

NM_001354712.2(THRB):c.917A>C (p.Lys306Thr)

Gene: THRB (thyroid hormone receptor beta; minus strand). Cytogenetic location: 3p24.2.
Variant type: single nucleotide variant.
Coding change: c.917A>C on transcript NM_001354712.2 (MANE Select); coding-DNA position 917, A replaced by C.
Protein change: p.Lys306Thr; replaces lysine 306 with threonine.
Molecular consequence: missense variant.
Genome position (GRCh38, 1-based): chr3:24,127,726, T>G on the plus strand (A>C on the coding strand, the complement: THRB is on the minus strand). VCF-style: chr3-24127726-T-G. GRCh37 (hg19) VCF-style: chr3-24169217-T-G.
Other names: c.917A>C, p.Lys306Thr (NM_000461.5, NM_001128176.3, NM_001128177.2 and 12 more transcripts); c.824A>C, p.Lys275Thr (NM_001354714.2, NM_001354715.2); short protein forms K275T, K306T.
Identifiers: ClinVar variation 1337580 (VCV001337580.4), dbSNP rs2148834585, ClinGen allele CA351888970.
Genomic context (GRCh38, chr3:24,127,726, plus strand): 5'-TCACTTTCTGGGTCATAGCGCACAGCAGCGCGAAGGGACATGATCTCCATGCAGCAGCCT[T>G]TGAGGAGGATGATCTGGTCTTCACATGGCAGCTGAAAAGAACCAGTTCATGTCAGCAAAG-3'
Protein context (NP_001341641.1, residues 296-316): LPCEDQIILL[Lys306Thr]GCCMEIMSLR

ClinVar aggregate classification (germline): Likely pathogenic (1 of 4 stars; one submission).

Submission:

Genetic Services Laboratory, University of Chicago
Classification: Likely pathogenic. Last evaluated: 2020-03-23. Review status: criteria provided, single submitter. Criteria: ACMG Guidelines, 2015. Collection method: clinical testing. Allele origin: germline. Affected: yes.
Comment: DNA sequence analysis of the THRB gene demonstrated a sequence change, c.917A>C, in exon 9 that results in an amino acid change, p.Lys306Thr. This sequence change does not appear to have been previously described in patients with THRB-related disorders and has also not been described in population databases (gnomAD, ExAC). The p.Lys306Thr change affects a highly conserved amino acid residue located in a domain of the THRB protein that is known to be functional and in which multiple other missense pathogenic sequence changes have been reported in patients with Thyroid Hormone Resistance. The p.Lys306Thr substitution appears to be deleterious using several in-silico pathogenicity prediction tools (SIFT, PolyPhen2, Align GVGD, REVEL, SplieSiteFinder). This collective evidence indicate that this sequence change is likely pathogenic however functional studies have not been performed to prove this conclusively.